The following is an entry in ClinVar:

NM_018082.6(POLR3B):c.975A>G (p.Glu325=)

Gene: POLR3B (RNA polymerase III subunit B; plus strand). Cytogenetic location: 12q23.3.
Variant type: single nucleotide variant.
Coding change: c.975A>G on transcript NM_018082.6 (MANE Select); coding-DNA position 975, A replaced by G.
Protein change: p.Glu325=; no amino-acid change (glutamic acid 325 retained).
Molecular consequence: synonymous variant.
Genome position (GRCh38, 1-based): chr12:106,410,834, A>G. VCF-style: chr12-106410834-A-G. GRCh37 (hg19) VCF-style: chr12-106804612-A-G.
Other names: p.Glu325=; c.801A>G, p.Glu267= (NM_001160708.2).
Identifiers: ClinVar variation 306931 (VCV000306931.57), dbSNP rs145542203, ClinGen allele CA6761850.

ClinVar aggregate classification (germline): Benign/Likely benign. Review status: criteria provided, multiple submitters, no conflicts (2 of 4 stars). 5 submissions from 5 submitters: Benign (2); Likely benign (3). Last evaluated 2026-09-01.

Conditions:
Leukodystrophy, hypomyelinating, 8, with or without oligodontia and/or hypogonadotropic hypogonadism. Also called: LEUKODYSTROPHY, HYPOMYELINATING, 8, WITH HYPODONTIA AND HYPOGONADOTROPIC HYPOGONADISM; Hypomyelinating leukodystrophy 8 with or without oligodontia and-or hypogonadotropic hypogonadism; Endosteal sclerosis-cerebellar hypoplasia syndrome. Identifiers: Orphanet 85186, Orphanet 88637, MedGen C3280644, MONDO:0013722, OMIM 614381.

Allele frequency attached by ClinVar (database versions not stated): 1000 Genomes Project 30x 0.00125; ExAC 0.00540; 1000 Genomes Project 0.00120; gnomAD 0.00459 and 0.00487; gnomAD exomes 0.00540 and 0.00511; TOPMed 0.00268; ESP Exome Variant Server 0.00315.
gnomAD v4.1: 8,099 of 1,613,860 alleles (0.5%); highest among the groups gnomAD compares: Non-Finnish European, 0.5%; 44 homozygotes.

Submissions (5):

CeGaT Center for Human Genetics Tuebingen
Classification: Likely benign. Last evaluated: 2026-09-01. Review status: criteria provided, single submitter. Criteria: CeGaT Center For Human Genetics Tuebingen Variant Classification Criteria Version 2. Collection method: clinical testing. Allele origin: germline. Affected: yes. Observed: 23 variant alleles.
Comment: POLR3B: BP4, BP7, BS2

Labcorp Genetics (formerly Invitae), Labcorp
Classification: Benign. Last evaluated: 2026-02-02. Review status: criteria provided, single submitter. Criteria: Invitae Variant Classification Sherloc (09022015). Collection method: clinical testing. Allele origin: germline.

Blueprint Genetics
Classification: Likely benign. Last evaluated: 2024-11-27. Review status: criteria provided, single submitter. Criteria: ACMG Guidelines, 2015. Collection method: clinical testing. Allele origin: germline.

Mayo Clinic Laboratories, Mayo Clinic
Classification: Benign. Last evaluated: 2024-09-18. Review status: criteria provided, single submitter. Criteria: ACMG Guidelines, 2015. Collection method: clinical testing. Allele origin: germline. Observed: 3 variant alleles.
Comment: BS1, BS2, BP4, BP7

Illumina Laboratory Services, Illumina
Classification: Likely benign for Leukodystrophy, hypomyelinating, 8, with or without oligodontia and/or hypogonadotropic hypogonadism. Last evaluated: 2018-01-13. Review status: criteria provided, single submitter. Criteria: ICSL Variant Classification Criteria 13 December 2019. Collection method: clinical testing. Allele origin: germline.
Comment: This variant was observed in the ICSL laboratory as part of a predisposition screen in an ostensibly healthy population. It had not been previously curated by ICSL or reported in the Human Gene Mutation Database (HGMD: prior to June 1st, 2018), and was therefore a candidate for classification through an automated scoring system. Utilizing variant allele frequency, disease prevalence and penetrance estimates, and inheritance mode, an automated score was calculated to assess if this variant is too frequent to cause the disease. Based on the score and internal cut-off values, a variant classified as likely benign is not then subjected to further curation. The score for this variant resulted in a classification of likely benign for this disease.